The following is an entry in ClinVar:

ClinVar aggregate classification (germline): Uncertain significance. Review status: criteria provided, multiple submitters, no conflicts (2 of 4 stars). 3 submissions from 3 submitters: Uncertain significance (3). Last evaluated 2025-06-20.

Conditions:
COL11A1-related disorder. Also called: COL11A1-related condition; COL11A1-related disorders.

Allele frequency attached by ClinVar (database versions not stated): gnomAD exomes below 0.00001.
gnomAD v4.1: 3 of 1,611,330 alleles (0.00019%); highest among the groups gnomAD compares: African/African-American, 0.0027%; no homozygotes.

Submissions (3):

PreventionGenetics, part of Exact Sciences
Classification: Uncertain significance for COL11A1-related condition. Last evaluated: 2025-06-20. Review status: criteria provided, single submitter. Criteria: ACMG Guidelines, 2015. Collection method: clinical testing. Allele origin: germline.
Comment: The COL11A1 c.1345C>A variant is predicted to result in the amino acid substitution p.Pro449Thr. To our knowledge, this variant has not been reported in the literature. This variant is reported in 0.0% of alleles in individuals of African descent in gnomAD. At this time, the clinical significance of this variant is uncertain due to the absence of conclusive functional and genetic evidence.

Labcorp Genetics (formerly Invitae), Labcorp
Classification: Uncertain significance. Last evaluated: 2025-05-01. Review status: criteria provided, single submitter. Criteria: Invitae Variant Classification Sherloc (09022015). Collection method: clinical testing. Allele origin: germline.
Comment: This sequence change replaces proline, which is neutral and non-polar, with threonine, which is neutral and polar, at codon 449 of the COL11A1 protein (p.Pro449Thr). This variant is not present in population databases (gnomAD no frequency). This variant has not been reported in the literature in individuals affected with COL11A1-related conditions. ClinVar contains an entry for this variant (Variation ID: 1496734). Invitae Evidence Modeling of protein sequence and biophysical properties (such as structural, functional, and spatial information, amino acid conservation, physicochemical variation, residue mobility, and thermodynamic stability) indicates that this missense variant is not expected to disrupt COL11A1 protein function with a negative predictive value of 80%. In summary, the available evidence is currently insufficient to determine the role of this variant in disease. Therefore, it has been classified as a Variant of Uncertain Significance.

Blueprint Genetics
Classification: Uncertain significance. Last evaluated: 2019-05-10. Review status: criteria provided, single submitter. Criteria: ACMG Guidelines, 2015. Collection method: clinical testing. Allele origin: germline.

NM_001854.4(COL11A1):c.1345C>A (p.Pro449Thr)

Gene: COL11A1 (collagen type XI alpha 1 chain; minus strand). Cytogenetic location: 1p21.1.
Variant type: single nucleotide variant.
Coding change: c.1345C>A on transcript NM_001854.4 (MANE Select); coding-DNA position 1345, C replaced by A.
Protein change: p.Pro449Thr; replaces proline 449 with threonine.
Molecular consequence: missense variant. On other transcripts: non-coding transcript variant (1).
Genome position (GRCh38, 1-based): chr1:103,018,823, G>T on the plus strand (C>A on the coding strand, the complement: COL11A1 is on the minus strand). VCF-style: chr1-103018823-G-T. GRCh37 (hg19) VCF-style: chr1-103484379-G-T.
Other names: c.1345C>A (NM_001854.3); c.1228C>A, p.Pro410Thr (NM_001190709.2); c.1381C>A, p.Pro461Thr (NM_080629.3); c.997C>A, p.Pro333Thr (NM_080630.4); short protein forms P449T, P461T, P333T, P410T.
Identifiers: ClinVar variation 1496734 (VCV001496734.10), dbSNP rs1262054654, ClinGen allele CA341180339.